The following is an entry in ClinVar:

ClinVar aggregate classification (germline): Conflicting classifications of pathogenicity. Review status: criteria provided, conflicting classifications (1 of 4 stars). 2 submissions from 2 submitters: Uncertain significance (1); Benign (1). Last evaluated 2025-09-14.

Conditions:
Hereditary cancer-predisposing syndrome. Also called: Neoplastic Syndromes, Hereditary; Hereditary Cancer Syndrome; Hereditary neoplastic syndrome; Tumor predisposition. Identifiers: Orphanet 140162, MedGen C0027672, MeSH D009386, MONDO:0015356.
Tuberous sclerosis 2 (TSC2). Identifiers: Orphanet 805, MedGen C1860707, MONDO:0013199, OMIM 613254.

Allele frequency attached by ClinVar (database versions not stated): gnomAD exomes below 0.00001; ExAC 0.00001.
gnomAD v4.1: 1 of 1,612,942 alleles (0.000062%); highest among the groups gnomAD compares: Admixed American, 0.0017%; no homozygotes.

Submissions (2):

Labcorp Genetics (formerly Invitae), Labcorp
Classification: Benign for Tuberous sclerosis 2. Last evaluated: 2025-09-14. Review status: criteria provided, single submitter. Criteria: Invitae Variant Classification Sherloc (09022015). Collection method: clinical testing. Allele origin: germline.

Ambry Genetics
Classification: Uncertain significance for Hereditary cancer-predisposing syndrome. Last evaluated: 2025-09-06. Review status: criteria provided, single submitter. Criteria: Ambry Variant Classification Scheme 2023. Collection method: clinical testing. Allele origin: germline.
Comment: The p.D1222N variant (also known as c.3664G>A), located in coding exon 30 of the TSC2 gene, results from a G to A substitution at nucleotide position 3664. The aspartic acid at codon 1222 is replaced by asparagine, an amino acid with highly similar properties. This amino acid position is conserved. In addition, the in silico prediction for this alteration is inconclusive. Since supporting evidence is limited at this time, the clinical significance of this alteration remains unclear.

NM_000548.5(TSC2):c.3664G>A (p.Asp1222Asn)

Gene: TSC2 (TSC complex subunit 2; plus strand). Cytogenetic location: 16p13.3.
Variant type: single nucleotide variant.
Coding change: c.3664G>A on transcript NM_000548.5 (MANE Select); coding-DNA position 3664, G replaced by A.
Protein change: p.Asp1222Asn; replaces aspartic acid 1222 with asparagine.
Molecular consequence: missense variant.
Genome position (GRCh38, 1-based): chr16:2,081,648, G>A. VCF-style: chr16-2081648-G-A. GRCh37 (hg19) VCF-style: chr16-2131649-G-A.
Other names: c.3625G>A, p.Asp1209Asn (NM_001406667.1); c.3622G>A, p.Asp1208Asn (NM_001406668.1); c.3553G>A, p.Asp1185Asn (NM_001406670.1); c.3523G>A, p.Asp1175Asn (NM_001406671.1); c.3520G>A, p.Asp1174Asn (NM_001406673.1); c.3517G>A, p.Asp1173Asn (NM_001406675.1); c.3514G>A, p.Asp1172Asn (NM_001406676.1); c.3475G>A, p.Asp1159Asn (NM_001406677.1); and 18 more; short protein forms D1179N, D1208N, D1221N, D1025N, D1141N, D1142N, D1172N, D1185N.
Identifiers: ClinVar variation 2193619 (VCV002193619.7), dbSNP rs776157698, ClinGen allele CA048016.